The following is an entry in ClinVar:

NM_178857.6(RP1L1):c.547G>T (p.Gly183Cys)

Gene: RP1L1 (RP1 like 1). Cytogenetic location: 8p23.1.
Variant type: single nucleotide variant.
Coding change: c.547G>T on transcript NM_178857.6 (MANE Select); coding-DNA position 547, G replaced by T.
Protein change: p.Gly183Cys; replaces glycine 183 with cysteine.
Molecular consequence: missense variant.
Genome position (GRCh38, 1-based): chr8:10,622,655, C>A on the plus strand (G>T on the coding strand, the complement: RP1L1 is on the minus strand). VCF-style: chr8-10622655-C-A. GRCh37 (hg19) VCF-style: chr8-10480165-C-A.
Other names: short protein forms G183C.
Identifiers: ClinVar variation 2054491 (VCV002054491.4), dbSNP rs115126172, ClinGen allele CA4625649.

ClinVar aggregate classification (germline): Uncertain significance (1 of 4 stars; one submission).

gnomAD v4.1: 4 of 1,614,162 alleles (0.00025%); highest among the groups gnomAD compares: East Asian, 0.0067%; no homozygotes.

Submission:

Labcorp Genetics (formerly Invitae), Labcorp
Classification: Uncertain significance. Last evaluated: 2024-04-02. Review status: criteria provided, single submitter. Criteria: Invitae Variant Classification Sherloc (09022015). Collection method: clinical testing. Allele origin: germline.
Comment: This sequence change replaces glycine, which is neutral and non-polar, with cysteine, which is neutral and slightly polar, at codon 183 of the RP1L1 protein (p.Gly183Cys). This variant is present in population databases (rs115126172, gnomAD 0.03%). This variant has not been reported in the literature in individuals affected with RP1L1-related conditions. ClinVar contains an entry for this variant (Variation ID: 2054491). Advanced modeling of protein sequence and biophysical properties (such as structural, functional, and spatial information, amino acid conservation, physicochemical variation, residue mobility, and thermodynamic stability) performed at Invitae indicates that this missense variant is not expected to disrupt RP1L1 protein function with a negative predictive value of 80%. In summary, the available evidence is currently insufficient to determine the role of this variant in disease. Therefore, it has been classified as a Variant of Uncertain Significance.